The following is an entry in ClinVar:

NM_213655.5(WNK1):c.3454C>T (p.Pro1152Ser)

Gene: WNK1 (WNK lysine deficient protein kinase 1; plus strand). Cytogenetic location: 12p13.33.
Variant type: single nucleotide variant.
Coding change: c.3454C>T on transcript NM_213655.5 (MANE Plus Clinical); coding-DNA position 3454, C replaced by T.
Protein change: p.Pro1152Ser; replaces proline 1152 with serine.
Molecular consequence: missense variant. On other transcripts: intron variant (2).
Genome position (GRCh38, 1-based): chr12:868,925, C>T. VCF-style: chr12-868925-C-T. GRCh37 (hg19) VCF-style: chr12-978091-C-T.
Other names: c.3199C>T, p.Pro1067Ser (NM_001184985.2); c.2140-2340C>T (NM_018979.4, NM_014823.3); short protein forms P1067S, P1152S.
Identifiers: ClinVar variation 3763308 (VCV003763308.2).

ClinVar aggregate classification (germline): Uncertain significance (1 of 4 stars; one submission).

Conditions:
Neuropathy, hereditary sensory and autonomic, type 2A (HSAN2A). Also called: HSAN IIA; WNK1-Related HSAN2 (HSAN2A); ACROOSTEOLYSIS, GIACCAI TYPE; ACROOSTEOLYSIS, NEUROGENIC; MORVAN DISEASE; NEUROPATHY, CONGENITAL SENSORY. Identifiers: Orphanet 970, MedGen C2752089, MONDO:0024309, OMIM 201300.
Pseudohypoaldosteronism type 2C (PHA2C). Also called: Pseudohypoaldosteronism Type IIC. Identifiers: Orphanet 757, Orphanet 88940, MedGen C1840391, MONDO:0013778, OMIM 614492.

gnomAD v4.1: 3 of 1,593,550 alleles (0.00019%); highest among the groups gnomAD compares: Admixed American, 0.0035%; no homozygotes.

Submission:

Labcorp Genetics (formerly Invitae), Labcorp
Classification: Uncertain significance for Neuropathy, hereditary sensory and autonomic, type 2A; Pseudohypoaldosteronism type 2C. Last evaluated: 2024-03-15. Review status: criteria provided, single submitter. Criteria: Invitae Variant Classification Sherloc (09022015). Collection method: clinical testing. Allele origin: germline.
Comment: This sequence change replaces proline, which is neutral and non-polar, with serine, which is neutral and polar, at codon 1152 of the WNK1 protein (p.Pro1152Ser). This variant is not present in population databases (gnomAD no frequency). This variant has not been reported in the literature in individuals affected with WNK1-related conditions. Experimental studies and prediction algorithms are not available or were not evaluated, and the functional significance of this variant is currently unknown. In summary, the available evidence is currently insufficient to determine the role of this variant in disease. Therefore, it has been classified as a Variant of Uncertain Significance.